The following is an entry in ClinVar:

NM_017671.5(FERMT1):c.85G>A (p.Val29Ile)

Gene: FERMT1 (FERM domain containing kindlin 1; minus strand). Cytogenetic location: 20p12.3.
Variant type: single nucleotide variant.
Coding change: c.85G>A on transcript NM_017671.5 (MANE Select); coding-DNA position 85, G replaced by A.
Protein change: p.Val29Ile; replaces valine 29 with isoleucine.
Molecular consequence: missense variant.
Genome position (GRCh38, 1-based): chr20:6,119,470, C>T on the plus strand (G>A on the coding strand, the complement: FERMT1 is on the minus strand). VCF-style: chr20-6119470-C-T. GRCh37 (hg19) VCF-style: chr20-6100117-C-T.
Other names: c.85G>A (NM_017671.4); short protein forms V29I.
Identifiers: ClinVar variation 1463832 (VCV001463832.6), dbSNP rs759081971, ClinGen allele CA9758552.

ClinVar aggregate classification (germline): Conflicting classifications of pathogenicity. Review status: criteria provided, conflicting classifications (1 of 4 stars). 2 submissions from 2 submitters: Uncertain significance (1); Likely benign (1). Last evaluated 2022-11-10.

Conditions:
Inborn genetic diseases. Identifiers: MedGen C0950123, MeSH D030342.

Allele frequency attached by ClinVar (database versions not stated): TOPMed below 0.00001; gnomAD 0.00001; gnomAD exomes 0.00001; ExAC 0.00002.
gnomAD v4.1: 7 of 1,614,042 alleles (0.00043%); highest among the groups gnomAD compares: East Asian, 0.0045%; no homozygotes.

Submissions (2):

Ambry Genetics
Classification: Likely benign for Inborn genetic diseases. Last evaluated: 2022-11-10. Review status: criteria provided, single submitter. Criteria: Ambry Variant Classification Scheme 2023. Collection method: clinical testing. Allele origin: germline.

Labcorp Genetics (formerly Invitae), Labcorp
Classification: Uncertain significance. Last evaluated: 2022-05-27. Review status: criteria provided, single submitter. Criteria: Invitae Variant Classification Sherloc (09022015). Collection method: clinical testing. Allele origin: germline.
Comment: This sequence change replaces valine, which is neutral and non-polar, with isoleucine, which is neutral and non-polar, at codon 29 of the FERMT1 protein (p.Val29Ile). This variant is present in population databases (rs759081971, gnomAD 0.01%). This variant has not been reported in the literature in individuals affected with FERMT1-related conditions. Algorithms developed to predict the effect of missense changes on protein structure and function output the following: SIFT: "Tolerated"; PolyPhen-2: "Benign"; Align-GVGD: "Class C0". The isoleucine amino acid residue is found in multiple mammalian species, which suggests that this missense change does not adversely affect protein function. In summary, the available evidence is currently insufficient to determine the role of this variant in disease. Therefore, it has been classified as a Variant of Uncertain Significance.